The following is an entry in ClinVar:

ClinVar aggregate classification (germline): Uncertain significance (1 of 4 stars; one submission).

Conditions:
IFT74-related disorder. Also called: IFT74-related condition; IFT74-Related Disorders.

Submission:

PreventionGenetics, part of Exact Sciences
Classification: Uncertain significance for IFT74-related condition. Last evaluated: 2026-07-15. Review status: criteria provided, single submitter. Criteria: ACMG Guidelines, 2015. Collection method: clinical testing. Allele origin: germline.
Comment: The IFT74 c.456C>G variant is predicted to result in the amino acid substitution p.Asp152Glu. To our knowledge, this variant has not been reported in the literature or in a large population database (gnomAD), indicating this variant is rare. At this time, the clinical significance of this variant is uncertain due to the absence of conclusive functional and genetic evidence.

NM_025103.4(IFT74):c.456C>G (p.Asp152Glu)

Gene: IFT74 (intraflagellar transport 74; plus strand). Cytogenetic location: 9p21.2.
Variant type: single nucleotide variant.
Coding change: c.456C>G on transcript NM_025103.4 (MANE Select); coding-DNA position 456, C replaced by G.
Protein change: p.Asp152Glu; replaces aspartic acid 152 with glutamic acid.
Molecular consequence: missense variant.
Genome position (GRCh38, 1-based): chr9:26,984,550, C>G. VCF-style: chr9-26984550-C-G. GRCh37 (hg19) VCF-style: chr9-26984548-C-G.
Other names: c.456C>G, p.Asp152Glu (NM_001099222.3, NM_001099223.3, NM_001099224.3 and 1 more transcripts); short protein forms D152E.
Identifiers: ClinVar variation 4990972 (VCV004990972.1).